The following is an entry in ClinVar:

ClinVar aggregate classification (germline): Likely benign. Review status: criteria provided, multiple submitters, no conflicts (2 of 4 stars). 2 submissions from 2 submitters: Likely benign (2). Last evaluated 2025-10-14.

Conditions:
SH3PXD2B-related disorder. Also called: SH3PXD2B-related condition.

Allele frequency attached by ClinVar (database versions not stated): ExAC 0.00007; gnomAD exomes 0.00011 and 0.00044; gnomAD 0.00018 and 0.00019; TOPMed 0.00019; ESP Exome Variant Server 0.00031.
gnomAD v4.1: 651 of 1,613,980 alleles (0.04%); highest among the groups gnomAD compares: Non-Finnish European, 0.053%; no homozygotes.

Submissions (2):

Labcorp Genetics (formerly Invitae), Labcorp
Classification: Likely benign. Last evaluated: 2025-10-14. Review status: criteria provided, single submitter. Criteria: Invitae Variant Classification Sherloc (09022015). Collection method: clinical testing. Allele origin: germline.

PreventionGenetics, part of Exact Sciences
Classification: Likely benign for SH3PXD2B-related condition. Last evaluated: 2025-02-07. Review status: criteria provided, single submitter. Criteria: ACMG Guidelines, 2015. Collection method: clinical testing. Allele origin: germline.
Comment: This variant is classified as likely benign based on ACMG/AMP sequence variant interpretation guidelines (Richards et al. 2015 PMID: 25741868, with internal and published modifications).

NM_001017995.3(SH3PXD2B):c.1050G>A (p.Arg350=)

Gene: SH3PXD2B (SH3 and PX domains 2B; minus strand). Cytogenetic location: 5q35.1.
Variant type: single nucleotide variant.
Coding change: c.1050G>A on transcript NM_001017995.3 (MANE Select); coding-DNA position 1050, G replaced by A.
Protein change: p.Arg350=; no amino-acid change (arginine 350 retained).
Molecular consequence: synonymous variant.
Genome position (GRCh38, 1-based): chr5:172,347,295, C>T on the plus strand (G>A on the coding strand, the complement: SH3PXD2B is on the minus strand). VCF-style: chr5-172347295-C-T. GRCh37 (hg19) VCF-style: chr5-171774299-C-T.
Other names: c.1050G>A, p.Arg350= (NM_001308175.2).
Identifiers: ClinVar variation 731183 (VCV000731183.9), dbSNP rs144361577, ClinGen allele CA3561332.